The following is an entry in ClinVar:

ClinVar aggregate classification (germline): Conflicting classifications of pathogenicity. Review status: criteria provided, conflicting classifications (1 of 4 stars). 6 submissions from 6 submitters: Uncertain significance (4); Likely benign (1). 1 of the submissions does not count toward it. Last evaluated 2025-11-16.

Conditions:
Fanconi anemia (FA). Also called: Fanconi's anemia. Identifiers: Orphanet 84, MedGen C0015625, MeSH D005199, MONDO:0019391.
Hereditary cancer-predisposing syndrome. Also called: Hereditary neoplastic syndrome; Tumor predisposition; Neoplastic Syndromes, Hereditary; Hereditary Cancer Syndrome. Identifiers: Orphanet 140162, MedGen C0027672, MeSH D009386, MONDO:0015356.
Fanconi anemia complementation group C (FANCC). Also called: FANCONI PANCYTOPENIA, TYPE 3; FACC; Fanconi anemia, group C; FANCC-Related Fanconi Anemia. Identifiers: Orphanet 84, MedGen C3468041, MONDO:0009213, OMIM 227645.

Allele frequency attached by ClinVar (database versions not stated): gnomAD exomes below 0.00001; ExAC 0.00001; gnomAD 0.00002; TOPMed 0.00002.

Submissions (6):

Labcorp Genetics (formerly Invitae), Labcorp
Classification: Uncertain significance for Fanconi anemia. Last evaluated: 2025-11-16. Review status: criteria provided, single submitter. Criteria: Invitae Variant Classification Sherloc (09022015). Collection method: clinical testing. Allele origin: germline.
Comment: This sequence change replaces alanine, which is neutral and non-polar, with valine, which is neutral and non-polar, at codon 158 of the FANCC protein (p.Ala158Val). This variant is present in population databases (rs776429990, gnomAD 0.0009%). This variant has not been reported in the literature in individuals affected with FANCC-related conditions. ClinVar contains an entry for this variant (Variation ID: 418577). Invitae Evidence Modeling of protein sequence and biophysical properties (such as structural, functional, and spatial information, amino acid conservation, physicochemical variation, residue mobility, and thermodynamic stability) indicates that this missense variant is not expected to disrupt FANCC protein function with a negative predictive value of 80%. In summary, the available evidence is currently insufficient to determine the role of this variant in disease. Therefore, it has been classified as a Variant of Uncertain Significance.

GeneDx
Classification: Uncertain significance. Last evaluated: 2024-08-27. Review status: criteria provided, single submitter. Criteria: GeneDx Variant Classification Process June 2021. Collection method: clinical testing. Allele origin: germline. Affected: yes.
Comment: Not observed at significant frequency in large population cohorts (gnomAD); In silico analysis indicates that this missense variant does not alter protein structure/function; Observed in an individual with prostate cancer (PMID: 26689913); This variant is associated with the following publications: (PMID: 25256751, 26873401, Gordon2000[Book], 26689913)

Fulgent Genetics
Classification: Uncertain significance for Fanconi anemia complementation group C. Last evaluated: 2024-05-17. Review status: criteria provided, single submitter. Criteria: ACMG Guidelines, 2015. Collection method: clinical testing. Allele origin: germline.

Sema4
Classification: Uncertain significance for Fanconi anemia. Last evaluated: 2022-03-17. Review status: criteria provided, single submitter. Criteria: Sema4 Curation Guidelines. Collection method: curation. Allele origin: germline.
Comment: The FANCC c.473C>T (p.A158V) has been reported in at least two individuals with breast or prostate cancer (PMID: 26689913, 33471991). This variant is not reported in the population database Genome Aggregation Database (PMID: 32461654). The variant has been reported in ClinVar (Variation ID: 418577). In silico tools suggest the impact of the variant on protein function is benign, though these predictions have not been confirmed by functional studies. The evidence is insufficient to meet ACMG/AMP criteria for classifying the variant as benign or pathogenic. Thus, the clinical significance of this variant is currently uncertain.

Ambry Genetics
Classification: Likely benign for Hereditary cancer-predisposing syndrome. Last evaluated: 2022-01-13. Review status: criteria provided, single submitter. Criteria: Ambry Variant Classification Scheme 2023. Collection method: clinical testing. Allele origin: germline.

Natera, Inc.
Classification: Uncertain significance for Fanconi anemia. Last evaluated: 2021-08-10. Review status: no assertion criteria provided. Collection method: clinical testing. Allele origin: germline. Not counted in ClinVar's aggregate classification.

Literature cited by the submitters: PubMed 26689913 (cited by Sema4); PubMed 33471991 (cited by Sema4).

NM_000136.3(FANCC):c.473C>T (p.Ala158Val)

Gene: FANCC (FA complementation group C; minus strand). Cytogenetic location: 9q22.32.
Variant type: single nucleotide variant.
Coding change: c.473C>T on transcript NM_000136.3 (MANE Select); coding-DNA position 473, C replaced by T.
Protein change: p.Ala158Val; replaces alanine 158 with valine.
Molecular consequence: missense variant.
Genome position (GRCh38, 1-based): chr9:95,171,127, G>A on the plus strand (C>T on the coding strand, the complement: FANCC is on the minus strand). VCF-style: chr9-95171127-G-A. GRCh37 (hg19) VCF-style: chr9-97933409-G-A.
Other names: c.473C>T, p.Ala158Val (NM_001243743.2, NM_001243744.2); short protein forms A158V.
Identifiers: ClinVar variation 418577 (VCV000418577.21), dbSNP rs776429990, ClinGen allele CA5137724.